The following is an entry in ClinVar:

ClinVar aggregate classification (germline): Benign. Review status: criteria provided, multiple submitters, no conflicts (2 of 4 stars). 2 submissions from 2 submitters: Benign (2). Last evaluated 2018-01-13.

Conditions:
Cystathioninuria. Also called: CYSTATHIONASE DEFICIENCY. Identifiers: Orphanet 212, MedGen C0220993, MONDO:0009058, OMIM 219500, HP:0003153.

Allele frequency attached by ClinVar (database versions not stated): gnomAD exomes 0.23531; TOPMed 0.25136; 1000 Genomes Project 0.20148; 1000 Genomes Project 30x 0.20440; gnomAD 0.27281.
gnomAD v4.1: 40,916 of 156,026 alleles (26%); highest among the groups gnomAD compares: Non-Finnish European, 30%; 5,625 homozygotes.

Submissions (2):

Illumina Laboratory Services, Illumina
Classification: Benign for Cystathioninuria. Last evaluated: 2018-01-13. Review status: criteria provided, single submitter. Criteria: ICSL Variant Classification Criteria 13 December 2019. Collection method: clinical testing. Allele origin: germline.
Comment: This variant was observed in the ICSL laboratory as part of a predisposition screen in an ostensibly healthy population. It had not been previously curated by ICSL or reported in the Human Gene Mutation Database (HGMD: prior to June 1st, 2018), and was therefore a candidate for classification through an automated scoring system. Utilizing variant allele frequency, disease prevalence and penetrance estimates, and inheritance mode, an automated score was calculated to assess if this variant is too frequent to cause the disease. Based on the score and internal cut-off values, a variant classified as benign is not then subjected to further curation. The score for this variant resulted in a classification of benign for this disease.

Breakthrough Genomics
Classification: Benign. Review status: criteria provided, single submitter. Criteria: ACMG Guidelines, 2015. Collection method: not provided. Allele origin: germline. Inheritance: Autosomal recessive inheritance. Affected: yes.

NM_001902.6(CTH):c.*523A>T

Gene: CTH (cystathionine gamma-lyase; plus strand). Cytogenetic location: 1p31.1.
Variant type: single nucleotide variant.
Coding change: c.*523A>T on transcript NM_001902.6 (MANE Select); 523 bases downstream of the stop codon, A replaced by T.
Molecular consequence: 3 prime UTR variant.
Genome position (GRCh38, 1-based): chr1:70,439,650, A>T. VCF-style: chr1-70439650-A-T. GRCh37 (hg19) VCF-style: chr1-70905333-A-T.
Other names: c.*523A>T (NM_001190463.2, NM_153742.5).
Identifiers: ClinVar variation 298048 (VCV000298048.6), dbSNP rs583316, ClinGen allele CA10610347.